The following is an entry in ClinVar:

NM_004385.5(VCAN):c.5978T>C (p.Met1993Thr)

Genes: VCAN (versican; plus strand), VCAN-AS1 (VCAN antisense RNA 1; minus strand). Cytogenetic location: 5q14.3.
Variant type: single nucleotide variant.
Coding change: c.5978T>C on transcript NM_004385.5 (MANE Select); coding-DNA position 5978, T replaced by C.
Protein change: p.Met1993Thr; replaces methionine 1993 with threonine.
Molecular consequence: missense variant. On other transcripts: intron variant (2).
Genome position (GRCh38, 1-based): chr5:83,538,981, T>C. VCF-style: chr5-83538981-T-C. GRCh37 (hg19) VCF-style: chr5-82834800-T-C.
Other names: c.3017T>C, p.Met1006Thr (NM_001164097.2); c.4004-6556T>C (NM_001164098.2); c.1043-6556T>C (NM_001126336.3); short protein forms M1993T, M1006T.
Identifiers: ClinVar variation 2890325 (VCV002890325.3), dbSNP rs377435300, ClinGen allele CA3333402.

ClinVar aggregate classification (germline): Uncertain significance (1 of 4 stars; one submission).

Allele frequency attached by ClinVar (database versions not stated): ExAC 0.00001; gnomAD 0.00001; gnomAD exomes 0.00001; TOPMed 0.00001; ESP Exome Variant Server 0.00008.

Submission:

Labcorp Genetics (formerly Invitae), Labcorp
Classification: Uncertain significance. Last evaluated: 2024-08-08. Review status: criteria provided, single submitter. Criteria: Invitae Variant Classification Sherloc (09022015). Collection method: clinical testing. Allele origin: germline.
Comment: This sequence change replaces methionine, which is neutral and non-polar, with threonine, which is neutral and polar, at codon 1993 of the VCAN protein (p.Met1993Thr). This variant is present in population databases (rs377435300, gnomAD 0.002%). This variant has not been reported in the literature in individuals affected with VCAN-related conditions. An algorithm developed to predict the effect of missense changes on protein structure and function outputs the following: PolyPhen-2: "Benign". The threonine amino acid residue is found in multiple mammalian species, which suggests that this missense change does not adversely affect protein function. In summary, the available evidence is currently insufficient to determine the role of this variant in disease. Therefore, it has been classified as a Variant of Uncertain Significance.